The following is an entry in ClinVar:

NM_005251.3(FOXC2):c.794A>G (p.Asn265Ser)

Gene: FOXC2 (forkhead box C2; plus strand). Cytogenetic location: 16q24.1.
Variant type: single nucleotide variant.
Coding change: c.794A>G on transcript NM_005251.3 (MANE Select); coding-DNA position 794, A replaced by G.
Protein change: p.Asn265Ser; replaces asparagine 265 with serine.
Molecular consequence: missense variant.
Genome position (GRCh38, 1-based): chr16:86,568,129, A>G. VCF-style: chr16-86568129-A-G. GRCh37 (hg19) VCF-style: chr16-86601735-A-G.
Other names: short protein forms N265S.
Identifiers: ClinVar variation 4803291 (VCV004803291.1).

ClinVar aggregate classification (germline): Uncertain significance (1 of 4 stars; one submission).

Submission:

Labcorp Genetics (formerly Invitae), Labcorp
Classification: Uncertain significance. Last evaluated: 2025-04-30. Review status: criteria provided, single submitter. Criteria: Invitae Variant Classification Sherloc (09022015). Collection method: clinical testing. Allele origin: germline.
Comment: This sequence change replaces asparagine, which is neutral and polar, with serine, which is neutral and polar, at codon 265 of the FOXC2 protein (p.Asn265Ser). This variant is present in population databases (no rsID available, gnomAD 0.005%). This variant has not been reported in the literature in individuals affected with FOXC2-related conditions. An algorithm developed to predict the effect of missense changes on protein structure and function (PolyPhen-2) suggests that this variant is likely to be disruptive. In summary, the available evidence is currently insufficient to determine the role of this variant in disease. Therefore, it has been classified as a Variant of Uncertain Significance.